The following is an entry in ClinVar:

NC_000003.11:g.(33175758_33183886)_(33189266_?)del

Gene: CRTAP (cartilage associated protein; plus strand). Cytogenetic location: 3p22.3.
Variant type: Deletion.
Identifiers: ClinVar variation 1704553 (VCV001704553.1).

ClinVar aggregate classification (germline): Likely pathogenic (1 of 4 stars; one submission).

Conditions:
Osteogenesis imperfecta (OI). Identifiers: Orphanet 666, MedGen C0029434, MeSH D010013, MONDO:0019019.

Submission:

Women's Health and Genetics/Laboratory Corporation of America, LabCorp
Classification: Likely pathogenic for Osteogenesis imperfecta. Last evaluated: 2022-07-26. Review status: criteria provided, single submitter. Criteria: LabCorp Variant Classification Summary - May 2015. Collection method: clinical testing. Allele origin: germline.
Comment: Variant summary: The variant identified by MLPA or other technology involves the deletion of exon 7, which is the last one exon of the CRTAP gene. A presumed nomenclature of c.(1152+1_1153-1)_(*5326_?)del has been designated for the purposes of this classification. Although exact breakpoints of this deletion are not known, it is expected to result in a large in-frame deletion change in the CRTAP gene (Alamut tool) , a known mechanism of disease. The variant allele was found at a frequency of 9.2e-05 in 21694 control chromosomes (gnomAD SVs). To our knowledge, no occurrence of c.(1152+1_1153-1)_(*5326_?)del in individuals affected with Osteogenesis Imperfecta and no experimental evidence demonstrating its impact on protein function have been reported. No clinical diagnostic laboratories have submitted clinical-significance assessments for this variant to ClinVar after 2014. Based on the evidence outlined above, the variant was classified as likely pathogenic.